The following is an entry in ClinVar:

NM_005535.3(IL12RB1):c.518G>C (p.Arg173Pro)

Gene: IL12RB1 (interleukin 12 receptor subunit beta 1; minus strand). Cytogenetic location: 19p13.11.
Variant type: single nucleotide variant.
Coding change: c.518G>C on transcript NM_005535.3 (MANE Select); coding-DNA position 518, G replaced by C.
Protein change: p.Arg173Pro; replaces arginine 173 with proline.
Molecular consequence: missense variant.
Genome position (GRCh38, 1-based): chr19:18,077,547, C>G on the plus strand (G>C on the coding strand, the complement: IL12RB1 is on the minus strand). VCF-style: chr19-18077547-C-G. GRCh37 (hg19) VCF-style: chr19-18188357-C-G.
Other names: c.518G>C, p.Arg173Pro (NM_001290023.2, NM_153701.3); c.638G>C, p.Arg213Pro (NM_001290024.2); short protein forms R213P, R173P.
Identifiers: ClinVar variation 827714 (VCV000827714.8), dbSNP rs756272570, ClinGen allele CA404789415.

ClinVar aggregate classification (germline): Conflicting classifications of pathogenicity. Review status: criteria provided, conflicting classifications (1 of 4 stars). 2 submissions from 2 submitters: Likely pathogenic (1); Uncertain significance (1). Last evaluated 2023-12-06.

Conditions:
Inherited Immunodeficiency Diseases. Identifiers: MedGen C5197805, MeSH D000081207.
Mendelian susceptibility to mycobacterial diseases due to complete IL12RB1 deficiency. Also called: Immunodeficiency 30; IL12RB1 DEFICIENCY. Identifiers: Orphanet 319552, MedGen C4013949, MONDO:0013955, OMIM 614891.

Allele frequency attached by ClinVar (database versions not stated): TOPMed 0.00001.

Submissions (2):

Labcorp Genetics (formerly Invitae), Labcorp
Classification: Uncertain significance for Mendelian susceptibility to mycobacterial diseases due to complete IL12RB1 deficiency. Last evaluated: 2023-12-06. Review status: criteria provided, single submitter. Criteria: Invitae Variant Classification Sherloc (09022015). Collection method: clinical testing. Allele origin: germline.
Comment: This sequence change replaces arginine, which is basic and polar, with proline, which is neutral and non-polar, at codon 173 of the IL12RB1 protein (p.Arg173Pro). This variant is not present in population databases (gnomAD no frequency). This missense change has been observed in individual(s) with IL12RB1-related conditions (PMID: 11368122, 12591909, 16418797, 20213287). ClinVar contains an entry for this variant (Variation ID: 827714). Advanced modeling of protein sequence and biophysical properties (such as structural, functional, and spatial information, amino acid conservation, physicochemical variation, residue mobility, and thermodynamic stability) performed at Invitae indicates that this missense variant is expected to disrupt IL12RB1 protein function with a positive predictive value of 80%. Experimental studies have shown that this missense change affects IL12RB1 function (PMID: 16293671, 20213287). In summary, the available evidence is currently insufficient to determine the role of this variant in disease. Therefore, it has been classified as a Variant of Uncertain Significance.

NIHR Bioresource Rare Diseases, University of Cambridge
Classification: Likely pathogenic for Inherited Immunodeficiency Diseases. Last evaluated: 2019-01-01. Review status: criteria provided, single submitter. Criteria: ACMG Guidelines, 2015. Collection method: research. Allele origin: germline. Affected: yes. Observed: 1 homozygote.

Literature cited by the submitters: PubMed 11368122 (cited by Labcorp Genetics (formerly Invitae), Labcorp); PubMed 12591909 (cited by Labcorp Genetics (formerly Invitae), Labcorp); PubMed 16418797 (cited by Labcorp Genetics (formerly Invitae), Labcorp); PubMed 20213287 (cited by Labcorp Genetics (formerly Invitae), Labcorp); PubMed 16293671 (cited by Labcorp Genetics (formerly Invitae), Labcorp).